The following is an entry in ClinVar:

NM_001167.4(XIAP):c.693G>A (p.Leu231=)

Gene: XIAP (X-linked inhibitor of apoptosis; plus strand). Cytogenetic location: Xq25.
Variant type: single nucleotide variant.
Coding change: c.693G>A on transcript NM_001167.4 (MANE Select); coding-DNA position 693, G replaced by A.
Protein change: p.Leu231=; no amino-acid change (leucine 231 retained).
Molecular consequence: synonymous variant.
Genome position (GRCh38, 1-based): chrX:123,886,355, G>A. VCF-style: chrX-123886355-G-A. GRCh37 (hg19) VCF-style: chrX-123020205-G-A.
Other names: c.693G>A, p.Leu231= (NM_001204401.2, NM_001378590.1, NM_001378591.1 and 1 more transcripts).
Identifiers: ClinVar variation 2701587 (VCV002701587.3), dbSNP rs2522586039, ClinGen allele CA518203318.

ClinVar aggregate classification (germline): Uncertain significance (1 of 4 stars; one submission).

Conditions:
X-linked lymphoproliferative disease due to XIAP deficiency. Also called: XIAP DEFICIENCY; XIAP-Related Lymphoproliferative Disease, X-Linked. Identifiers: Orphanet 2442, Orphanet 538934, MedGen C1845076, MONDO:0010385, OMIM 300635.

Submission:

Labcorp Genetics (formerly Invitae), Labcorp
Classification: Uncertain significance for X-linked lymphoproliferative disease due to XIAP deficiency. Last evaluated: 2024-10-21. Review status: criteria provided, single submitter. Criteria: Invitae Variant Classification Sherloc (09022015). Collection method: clinical testing. Allele origin: germline.
Comment: This sequence change affects codon 231 of the XIAP mRNA. It is a 'silent' change, meaning that it does not change the encoded amino acid sequence of the XIAP protein. This variant is not present in population databases (gnomAD no frequency). This variant has not been reported in the literature in individuals affected with XIAP-related conditions. Algorithms developed to predict the effect of sequence changes on RNA splicing suggest that this variant may create or strengthen a splice site. In summary, the available evidence is currently insufficient to determine the role of this variant in disease. Therefore, it has been classified as a Variant of Uncertain Significance.